The following is an entry in ClinVar:

NM_001458.5(FLNC):c.6925C>T (p.Leu2309=)

Genes: FLNC (filamin C; plus strand), FLNC-AS1 (FLNC antisense RNA 1; minus strand). Cytogenetic location: 7q32.1.
Variant type: single nucleotide variant.
Coding change: c.6925C>T on transcript NM_001458.5 (MANE Select); coding-DNA position 6925, C replaced by T.
Protein change: p.Leu2309=; no amino-acid change (leucine 2309 retained).
Molecular consequence: synonymous variant.
Genome position (GRCh38, 1-based): chr7:128,854,610, C>T. VCF-style: chr7-128854610-C-T. GRCh37 (hg19) VCF-style: chr7-128494664-C-T.
Other names: c.6826C>T, p.Leu2276= (NM_001127487.2).
Identifiers: ClinVar variation 1105653 (VCV001105653.13), dbSNP rs1350109880, ClinGen allele CA457849768.

ClinVar aggregate classification (germline): Likely benign. Review status: criteria provided, multiple submitters, no conflicts (2 of 4 stars). 4 submissions from 4 submitters: Likely benign (4). Last evaluated 2026-09-02.

Conditions:
FLNC-related disorder. Also called: FLNC-related disorders; FLNC-related condition.
Cardiovascular phenotype. Identifiers: MedGen CN230736.
Distal myopathy with posterior leg and anterior hand involvement. Also called: WILLIAMS DISTAL MYOPATHY. Identifiers: Orphanet 63273, MedGen C3279722, MONDO:0013550, OMIM 614065.
Hypertrophic cardiomyopathy 26. Also called: Cardiomyopathy, familial hypertrophic, 26. Identifiers: Orphanet 75249, MedGen C4310749, MONDO:0014883, OMIM 617047.
Myofibrillar myopathy 5. Also called: Filaminopathy (type); FILAMINOPATHY, AUTOSOMAL DOMINANT. Identifiers: Orphanet 171445, MedGen C1836050, MONDO:0012289, OMIM 609524.

Allele frequency attached by ClinVar (database versions not stated): gnomAD 0.00001; gnomAD exomes 0.00001 and 0.00004; TOPMed 0.00002.
gnomAD v4.1: 62 of 1,611,714 alleles (0.0038%); highest among the groups gnomAD compares: Non-Finnish European, 0.0052%; no homozygotes.

Submissions (4):

PreventionGenetics, part of Exact Sciences
Classification: Likely benign for FLNC-related condition. Last evaluated: 2026-09-02. Review status: criteria provided, single submitter. Criteria: ACMG Guidelines, 2015. Collection method: clinical testing. Allele origin: germline.
Comment: This variant is classified as likely benign based on ACMG/AMP sequence variant interpretation guidelines (Richards et al. 2015 PMID: 25741868, with internal and published modifications).

Labcorp Genetics (formerly Invitae), Labcorp
Classification: Likely benign for Distal myopathy with posterior leg and anterior hand involvement; Myofibrillar myopathy 5; Hypertrophic cardiomyopathy 26. Last evaluated: 2025-12-23. Review status: criteria provided, single submitter. Criteria: Invitae Variant Classification Sherloc (09022015). Collection method: clinical testing. Allele origin: germline.

Women's Health and Genetics/Laboratory Corporation of America, LabCorp
Classification: Likely benign. Last evaluated: 2025-05-18. Review status: criteria provided, single submitter. Criteria: LabCorp Variant Classification Summary - May 2015. Collection method: clinical testing. Allele origin: germline.

Ambry Genetics
Classification: Likely benign for Cardiovascular phenotype. Last evaluated: 2019-12-08. Review status: criteria provided, single submitter. Criteria: Ambry Variant Classification Scheme 2023. Collection method: clinical testing. Allele origin: germline.